The following is an entry in ClinVar:

NM_024334.3(TMEM43):c.443-9C>T

Gene: TMEM43 (transmembrane protein 43; plus strand). Cytogenetic location: 3p25.1.
Variant type: single nucleotide variant.
Coding change: c.443-9C>T on transcript NM_024334.3 (MANE Select); 9 bases into the intron before coding-DNA position 443, C replaced by T.
Molecular consequence: intron variant.
Genome position (GRCh38, 1-based): chr3:14,132,857, C>T. VCF-style: chr3-14132857-C-T. GRCh37 (hg19) VCF-style: chr3-14174357-C-T.
Identifiers: ClinVar variation 137676 (VCV000137676.15), dbSNP rs371866082, ClinGen allele CA024695.
Genomic context (GRCh38, chr3:14,132,857, plus strand): 5'-CTGGGCTGGTGGGTCTCAGCCGCGTGCCACTCCTACCCGGGCTCTGAGTTGATTCCTCTC[C>T]CTGAGCAGACACTGAATGGAGGTCAGAAATCATCAACAGCAAAAACTTCGACCGAGAGAT-3'

ClinVar aggregate classification (germline): Benign/Likely benign. Review status: criteria provided, multiple submitters, no conflicts (2 of 4 stars). 5 submissions from 5 submitters: Benign (2); Likely benign (3). Last evaluated 2026-08-25.

Conditions:
TMEM43-related disorder. Also called: TMEM43-related condition.
Cardiomyopathy (CMYO). Also called: Cardiomyopathies. Identifiers: Orphanet 167848, MedGen C0878544, MONDO:0004994, HP:0001638. Inheritance: Various modes of inheritance.
Arrhythmogenic right ventricular dysplasia 5. Also called: Arrhythmogenic Right Ventricular Dysplasia/Cardiomyopathy 5; ARRHYTHMOGENIC RIGHT VENTRICULAR DYSPLASIA, FAMILIAL, 5. Identifiers: MedGen C1858379, MONDO:0011459, OMIM 604400.

Allele frequency attached by ClinVar (database versions not stated): TOPMed 0.00015; gnomAD 0.00017 and 0.00015; ESP Exome Variant Server 0.00031; gnomAD exomes below 0.00001 and 0.00003; ExAC 0.00004.
gnomAD v4.1: 29 of 1,613,750 alleles (0.0018%); highest among the groups gnomAD compares: African/African-American, 0.032%; no homozygotes.

Submissions (5):

PreventionGenetics, part of Exact Sciences
Classification: Likely benign for TMEM43-related condition. Last evaluated: 2026-08-25. Review status: criteria provided, single submitter. Criteria: ACMG Guidelines, 2015. Collection method: clinical testing. Allele origin: germline.
Comment: This variant is classified as likely benign based on ACMG/AMP sequence variant interpretation guidelines (Richards et al. 2015 PMID: 25741868, with internal and published modifications).

Labcorp Genetics (formerly Invitae), Labcorp
Classification: Likely benign for Arrhythmogenic right ventricular dysplasia 5. Last evaluated: 2026-01-28. Review status: criteria provided, single submitter. Criteria: Invitae Variant Classification Sherloc (09022015). Collection method: clinical testing. Allele origin: germline.

Blueprint Genetics
Classification: Likely benign. Last evaluated: 2023-08-31. Review status: criteria provided, single submitter. Criteria: ACMG Guidelines, 2015. Collection method: clinical testing. Allele origin: germline.

Color Diagnostics, LLC DBA Color Health
Classification: Benign for Cardiomyopathy. Last evaluated: 2020-01-09. Review status: criteria provided, single submitter. Criteria: ACMG Guidelines, 2015. Collection method: clinical testing. Allele origin: germline.

GeneDx
Classification: Benign. Last evaluated: 2014-03-22. Review status: criteria provided, single submitter. Criteria: GeneDx Variant Classification (06012015). Collection method: clinical testing. Allele origin: germline. Affected: yes.
Comment: This variant is considered likely benign or benign based on one or more of the following criteria: it is a conservative change, it occurs at a poorly conserved position in the protein, it is predicted to be benign by multiple in silico algorithms, and/or has population frequency not consistent with disease.